The following is an entry in ClinVar:

NM_000368.5(TSC1):c.467A>T (p.Asp156Val)

Gene: TSC1 (TSC complex subunit 1; minus strand). Cytogenetic location: 9q34.13.
Variant type: single nucleotide variant.
Coding change: c.467A>T on transcript NM_000368.5 (MANE Select); coding-DNA position 467, A replaced by T.
Protein change: p.Asp156Val; replaces aspartic acid 156 with valine.
Molecular consequence: missense variant. On other transcripts: non-coding transcript variant (5), 5 prime UTR variant (5).
Genome position (GRCh38, 1-based): chr9:132,923,389, T>A on the plus strand (A>T on the coding strand, the complement: TSC1 is on the minus strand). VCF-style: chr9-132923389-T-A. GRCh37 (hg19) VCF-style: chr9-135798776-T-A.
Other names: c.467A>T, p.Asp156Val (NM_001162426.2, NM_001406592.1, NM_001406593.1 and 16 more transcripts); c.314A>T, p.Asp105Val (NM_001162427.2, NM_001406612.1, NM_001406613.1 and 2 more transcripts); c.104A>T, p.Asp35Val (NM_001362177.2, NM_001406614.1, NM_001406615.1 and 10 more transcripts); c.-411A>T (NM_001406626.1, NM_001406627.1, NM_001406628.1); c.-553A>T (NM_001406629.1); c.-627A>T (NM_001406630.1); short protein forms D35V, D105V, D156V.
Identifiers: ClinVar variation 3329431 (VCV003329431.1).

ClinVar aggregate classification (germline): Uncertain significance (1 of 4 stars; one submission).

Conditions:
Hereditary cancer-predisposing syndrome. Also called: Neoplastic Syndromes, Hereditary; Tumor predisposition; Hereditary neoplastic syndrome; Hereditary Cancer Syndrome. Identifiers: Orphanet 140162, MedGen C0027672, MeSH D009386, MONDO:0015356.

Submission:

Ambry Genetics
Classification: Uncertain significance for Hereditary cancer-predisposing syndrome. Last evaluated: 2024-05-09. Review status: criteria provided, single submitter. Criteria: Ambry Variant Classification Scheme 2023. Collection method: clinical testing. Allele origin: germline.
Comment: The p.D156V variant (also known as c.467A>T), located in coding exon 4 of the TSC1 gene, results from an A to T substitution at nucleotide position 467. The aspartic acid at codon 156 is replaced by valine, an amino acid with highly dissimilar properties. This amino acid position is conserved. In addition, this alteration is predicted to be deleterious by in silico analysis. Based on the available evidence, the clinical significance of this variant remains unclear.